The following is an entry in ClinVar:

ClinVar aggregate classification (germline): Pathogenic (1 of 4 stars; one submission).

Conditions:
Hereditary breast ovarian cancer syndrome. Also called: Hereditary breast and ovarian cancer; BRCA1- and BRCA2-Associated Hereditary Breast and Ovarian Cancer; Hereditary breast and ovarian cancer syndrome; Breast and ovarian cancer; Hereditary breast and ovarian cancer syndrome (HBOC); Hereditary breast and/or ovarian cancer syndrome. Identifiers: Orphanet 145, MedGen C0677776, MeSH D061325, MONDO:0003582. Disease mechanism: loss of function.

Submission:

Labcorp Genetics (formerly Invitae), Labcorp
Classification: Pathogenic for Hereditary breast ovarian cancer syndrome. Last evaluated: 2022-12-11. Review status: criteria provided, single submitter. Criteria: Invitae Variant Classification Sherloc (09022015). Collection method: clinical testing. Allele origin: germline.
Comment: For these reasons, this variant has been classified as Pathogenic. This variant has not been reported in the literature in individuals affected with BRCA1-related conditions. This variant is not present in population databases (gnomAD no frequency). This sequence change creates a premature translational stop signal (p.Glu530Aspfs*6) in the BRCA1 gene. It is expected to result in an absent or disrupted protein product. Loss-of-function variants in BRCA1 are known to be pathogenic (PMID: 20104584).

Literature cited by the submitters: PubMed 20104584.

NM_007294.4(BRCA1):c.1590_1594del (p.Glu530fs)

Gene: BRCA1 (BRCA1 DNA repair associated; minus strand). Cytogenetic location: 17q21.31.
Variant type: Deletion.
Coding change: c.1590_1594del on transcript NM_007294.4 (MANE Select); coding-DNA positions 1590 to 1594, 5 bases deleted (AATGA; older notation c.1590_1594delAATGA).
Protein change: p.Glu530fs; shifts the reading frame from glutamic acid 530.
Molecular consequence: frameshift variant. On other transcripts: intron variant (137).
Genome position (GRCh38, 1-based): chr17:43,093,937-43,093,941, TCATT deleted on the plus strand (AATGA on the coding strand, the reverse complement: BRCA1 is on the minus strand); deleting any 5 consecutive bases within chr17:43,093,937-43,093,944 gives the same sequence; the c. name uses the placement nearest the transcript's 3' end. VCF-style (leftmost placement, unchanged base first): chr17-43093936-ATCATT-A. GRCh37 (hg19) VCF-style: chr17-41245953-ATCATT-A.
Other names: c.406+803_406+807del (NM_001408510.1); c.643+803_643+807del (NM_001408470.1, NM_001408464.1, NM_001408468.1 and 3 more transcripts); c.646+803_646+807del (NM_001408469.1, NM_001408453.1, NM_001408461.1 and 11 more transcripts); c.784+803_784+807del (NM_001408397.1, NM_001408401.1, NM_001408396.1 and 13 more transcripts); c.664+803_664+807del (NM_001408436.1, NM_001408444.1, NM_001408438.1 and 12 more transcripts); c.787+803_787+807del (NM_001407980.1, NM_001407993.1, NM_001407976.1 and 19 more transcripts); c.652+803_652+807del (NM_001408451.1); c.523+803_523+807del (NM_001408498.1, NM_001408501.1, NM_001408500.1 and 3 more transcripts); and 40 more; short protein forms E403fs, E442fs, E459fs, E460fs, E489fs, E504fs, E402fs, E418fs.
Identifiers: ClinVar variation 2820095 (VCV002820095.3), dbSNP rs2552201470, ClinGen allele CA2739265597.